The following is an entry in ClinVar:

ClinVar aggregate classification (germline): Uncertain significance (1 of 4 stars; one submission).

gnomAD v4.1: 2 of 1,614,064 alleles (0.00012%); highest among the groups gnomAD compares: Non-Finnish European, 0.00017%; no homozygotes.

Submission:

Labcorp Genetics (formerly Invitae), Labcorp
Classification: Uncertain significance. Last evaluated: 2025-11-10. Review status: criteria provided, single submitter. Criteria: Invitae Variant Classification Sherloc (09022015). Collection method: clinical testing. Allele origin: germline.
Comment: This sequence change falls in intron 9 of the ASNS gene. It does not directly change the encoded amino acid sequence of the ASNS protein. This variant is not present in population databases (gnomAD no frequency). This variant has not been reported in the literature in individuals affected with ASNS-related conditions. Algorithms developed to predict the effect of sequence changes on RNA splicing suggest that this variant may disrupt the consensus splice site. In summary, the available evidence is currently insufficient to determine the role of this variant in disease. Therefore, it has been classified as a Variant of Uncertain Significance.

NM_001673.5(ASNS):c.1138-4A>G

Genes: ASNS (asparagine synthetase (glutamine-hydrolyzing); minus strand), CZ1P-ASNS (CZ1P-ASNS readthrough; minus strand). Cytogenetic location: 7q21.3.
Variant type: single nucleotide variant.
Coding change: c.1138-4A>G on transcript NM_001673.5 (MANE Select); 4 bases into the intron before coding-DNA position 1138, A replaced by G.
Molecular consequence: intron variant. On other transcripts: non-coding transcript variant (1).
Genome position (GRCh38, 1-based): chr7:97,854,684, T>C on the plus strand (A>G on the coding strand, the complement: ASNS is on the minus strand). VCF-style: chr7-97854684-T-C. GRCh37 (hg19) VCF-style: chr7-97483996-T-C.
Other names: c.1138-4A>G (NM_001352496.2, NM_183356.4, NM_133436.3); c.889-4A>G (NM_001178076.2, NM_001178077.1); c.1075-4A>G (NM_001178075.2).
Identifiers: ClinVar variation 4704015 (VCV004704015.1).
Genomic context (GRCh38, chr7:97,854,684, plus strand): 5'-ATAGAGTTCCCTCAGAAGCCTCTCACTCTCCTCCTCGGCTTTTTCAGGAGAAGGAGCCTA[T>C]TTCACAAACAAAAACACCAAGAGTTTTGCTTTTGGCACACAAAGCAGTTTTTCTTTCTCC-3'